The following is an entry in ClinVar:

ClinVar aggregate classification (germline): Uncertain significance (1 of 4 stars; one submission).

Conditions:
Hereditary cancer-predisposing syndrome. Also called: Neoplastic Syndromes, Hereditary; Tumor predisposition; Hereditary Cancer Syndrome; Hereditary neoplastic syndrome. Identifiers: Orphanet 140162, MedGen C0027672, MeSH D009386, MONDO:0015356.

Submission:

Color Diagnostics, LLC DBA Color Health
Classification: Uncertain significance for Hereditary cancer-predisposing syndrome. Last evaluated: 2022-09-13. Review status: criteria provided, single submitter. Criteria: ACMG Guidelines, 2015. Collection method: clinical testing. Allele origin: germline.
Comment: This missense variant replaces glutamic acid with glutamine at codon 1541 of the BRCA1 protein. Computational prediction is inconclusive regarding the impact of this variant on protein structure and function (internally defined REVEL score threshold 0.5 < inconclusive < 0.7, PMID: 27666373). To our knowledge, functional studies have not been reported for this variant. This variant has not been reported in individuals affected with hereditary cancer in the literature. This variant has not been identified in the general population by the Genome Aggregation Database (gnomAD). The available evidence is insufficient to determine the role of this variant in disease conclusively. Therefore, this variant is classified as a Variant of Uncertain Significance.

NM_007294.4(BRCA1):c.4621G>C (p.Glu1541Gln)

Gene: BRCA1 (BRCA1 DNA repair associated; minus strand). Cytogenetic location: 17q21.31.
Variant type: single nucleotide variant.
Coding change: c.4621G>C on transcript NM_007294.4 (MANE Select); coding-DNA position 4621, G replaced by C.
Protein change: p.Glu1541Gln; replaces glutamic acid 1541 with glutamine.
Molecular consequence: missense variant. On other transcripts: intron variant (3).
Genome position (GRCh38, 1-based): chr17:43,074,385, C>G on the plus strand (G>C on the coding strand, the complement: BRCA1 is on the minus strand). VCF-style: chr17-43074385-C-G. GRCh37 (hg19) VCF-style: chr17-41226402-C-G.
Other names: c.1186G>C, p.Glu396Gln (NM_001408439.1, NM_001408440.1, NM_001408441.1 and 10 more transcripts); c.1183G>C, p.Glu395Gln (NM_001408446.1, NM_001408445.1, NM_001408447.1 and 2 more transcripts); c.4621G>C, p.Glu1541Gln (NM_001407684.1, NM_001407593.1, NM_001407594.1 and 8 more transcripts); c.4492G>C, p.Glu1498Gln (NM_001407685.1, NM_001407686.1, NM_001407687.1 and 6 more transcripts); c.4489G>C, p.Glu1497Gln (NM_001407690.1, NM_001407691.1); c.4480G>C, p.Glu1494Gln (NM_001407692.1, NM_001407694.1, NM_001407695.1 and 13 more transcripts); c.4477G>C, p.Glu1493Gln (NM_001407732.1, NM_001407733.1, NM_001407734.1 and 21 more transcripts); c.4408G>C, p.Glu1470Gln (NM_001407571.1, NM_001407894.1, NM_001407895.1 and 12 more transcripts); and 71 more; short protein forms E1469Q, E1472Q, E1494Q, E1497Q, E1500Q, E1561Q, E1563Q, E324Q.
Identifiers: ClinVar variation 2774832 (VCV002774832.2), dbSNP rs80357248, ClinGen allele CA10592268.
Genomic context (GRCh38, chr17:43,074,385, plus strand): 5'-TATTACCTAGATCTTGCCTTGGCAAGTAAGATGTTTCCGTCAAATCGTGTGGCCCAGACT[C>G]TTCCAGCTGTTGCTCCTCCACATCAACAACCTTAATGAGCTCCTCTTGAGATGGGTAGTT-3'
Protein context (NP_009225.1, residues 1531-1551): VVDVEEQQLE[Glu1541Gln]SGPHDLTETS